The following is an entry in ClinVar:

NM_016011.5(MECR):c.1114A>G (p.Thr372Ala)

Gene: MECR (mitochondrial trans-2-enoyl-CoA reductase; minus strand). Cytogenetic location: 1p35.3.
Variant type: single nucleotide variant.
Coding change: c.1114A>G on transcript NM_016011.5 (MANE Select); coding-DNA position 1114, A replaced by G.
Protein change: p.Thr372Ala; replaces threonine 372 with alanine.
Molecular consequence: missense variant. On other transcripts: non-coding transcript variant (4).
Genome position (GRCh38, 1-based): chr1:29,194,030, T>C on the plus strand (A>G on the coding strand, the complement: MECR is on the minus strand). VCF-style: chr1-29194030-T-C. GRCh37 (hg19) VCF-style: chr1-29520542-T-C.
Other names: p.Thr372Ala; c.886A>G, p.Thr296Ala (NM_001024732.4, NM_001349711.2, NM_001349712.2 and 2 more transcripts); c.1219A>G, p.Thr407Ala (NM_001349715.2); c.1198A>G, p.Thr400Ala (NM_001349716.2); c.964A>G, p.Thr322Ala (NM_001349717.2); c.1114A>G (NM_016011.3, NM_016011.2); short protein forms T296A, T322A, T372A, T400A, T407A.
Identifiers: ClinVar variation 2063566 (VCV002063566.9), dbSNP rs60891833, ClinGen allele CA725520.

ClinVar aggregate classification (germline): Conflicting classifications of pathogenicity. Review status: criteria provided, conflicting classifications (1 of 4 stars). 5 submissions from 5 submitters: Uncertain significance (1); Likely benign (3). 1 of the submissions does not count toward it. Last evaluated 2026-01-25.

Conditions:
Inborn genetic diseases. Identifiers: MedGen C0950123, MeSH D030342.
MECR-related disorder. Also called: MECR-related condition.

Allele frequency attached by ClinVar (database versions not stated): gnomAD exomes 0.00027; ExAC 0.00074; 1000 Genomes Project 0.00200; ESP Exome Variant Server 0.00200; gnomAD 0.00211; TOPMed 0.00247; 1000 Genomes Project 30x 0.00312.
gnomAD v4.1: 732 of 1,613,970 alleles (0.045%); highest among the groups gnomAD compares: African/African-American, 0.71%; 3 homozygotes.

Submissions (5):

Labcorp Genetics (formerly Invitae), Labcorp
Classification: Likely benign. Last evaluated: 2026-01-25. Review status: criteria provided, single submitter. Criteria: Invitae Variant Classification Sherloc (09022015). Collection method: clinical testing. Allele origin: germline.

Mayo Clinic Laboratories, Mayo Clinic
Classification: Likely benign. Last evaluated: 2025-01-06. Review status: criteria provided, single submitter. Criteria: ACMG Guidelines, 2015. Collection method: clinical testing. Allele origin: germline. Observed: 1 variant allele.
Comment: BS1, BP4_moderate

Blueprint Genetics
Classification: Likely benign. Last evaluated: 2024-10-22. Review status: criteria provided, single submitter. Criteria: ACMG Guidelines, 2015. Collection method: clinical testing. Allele origin: germline.

Ambry Genetics
Classification: Uncertain significance for Inborn genetic diseases. Last evaluated: 2024-06-13. Review status: criteria provided, single submitter. Criteria: Ambry Variant Classification Scheme 2023. Collection method: clinical testing. Allele origin: germline.

PreventionGenetics, part of Exact Sciences
Classification: Benign for MECR-related condition. Last evaluated: 2019-08-13. Review status: no assertion criteria provided. Collection method: clinical testing. Allele origin: germline. Not counted in ClinVar's aggregate classification.
Comment: This variant is classified as benign based on ACMG/AMP sequence variant interpretation guidelines (Richards et al. 2015 PMID: 25741868, with internal and published modifications).